The following is an entry in ClinVar:

ClinVar aggregate classification (germline): Likely benign. Review status: criteria provided, multiple submitters, no conflicts (2 of 4 stars). 2 submissions from 2 submitters: Likely benign (2). Last evaluated 2026-01-13.

Allele frequency attached by ClinVar (database versions not stated): 1000 Genomes Project 0.00020; TOPMed 0.00021; ExAC 0.00012; ESP Exome Variant Server 0.00015; 1000 Genomes Project 30x 0.00016; gnomAD 0.00019.

Submissions (2):

Labcorp Genetics (formerly Invitae), Labcorp
Classification: Likely benign. Last evaluated: 2026-01-13. Review status: criteria provided, single submitter. Criteria: Invitae Variant Classification Sherloc (09022015). Collection method: clinical testing. Allele origin: germline.

CeGaT Center for Human Genetics Tuebingen
Classification: Likely benign. Last evaluated: 2025-09-01. Review status: criteria provided, single submitter. Criteria: CeGaT Center For Human Genetics Tuebingen Variant Classification Criteria Version 2. Collection method: clinical testing. Allele origin: germline. Affected: yes. Observed: 1 variant allele.
Comment: SLC4A11: BP4

NM_001174089.2(SLC4A11):c.422G>A (p.Arg141His)

Gene: SLC4A11 (solute carrier family 4 member 11; minus strand). Cytogenetic location: 20p13.
Variant type: single nucleotide variant.
Coding change: c.422G>A on transcript NM_001174089.2 (MANE Select); coding-DNA position 422, G replaced by A.
Protein change: p.Arg141His; replaces arginine 141 with histidine.
Molecular consequence: missense variant. On other transcripts: non-coding transcript variant (3).
Genome position (GRCh38, 1-based): chr20:3,234,184, C>T on the plus strand (G>A on the coding strand, the complement: SLC4A11 is on the minus strand). VCF-style: chr20-3234184-C-T. GRCh37 (hg19) VCF-style: chr20-3214830-C-T.
Other names: c.551G>A, p.Arg184His (NM_001174090.2, NM_001400280.1); c.422G>A, p.Arg141His (NM_001363745.2); c.365G>A, p.Arg122His (NM_001400277.1, NM_001400278.1, NM_001400279.1); c.470G>A, p.Arg157His (NM_032034.4); short protein forms R141H, R122H, R184H, R157H.
Identifiers: ClinVar variation 2164817 (VCV002164817.10), dbSNP rs146233650, ClinGen allele CA9742298.
Genomic context (GRCh38, chr20:3,234,184, plus strand): 5'-GCCATGAGCAGGTCCAGGTTGCAGTTGGGCTCATTGTTGTCAGGGTCCCTGGCGAAGCGG[C>T]GAAGCATGGTCCGCAGCACGTTATCCAGGGAGGTGGCCGTCTCGTTCAGGACGATGCTGG-3'
Protein context (NP_001167560.1, residues 131-151): SLDNVLRTML[Arg141His]RFARDPDNNE